The following is an entry in ClinVar:

ClinVar aggregate classification (germline): Uncertain significance (1 of 4 stars; one submission).

Submission:

GeneDx
Classification: Uncertain significance. Last evaluated: 2023-08-07. Review status: criteria provided, single submitter. Criteria: GeneDx Variant Classification Process June 2021. Collection method: clinical testing. Allele origin: germline. Affected: yes.
Comment: Not observed at significant frequency in large population cohorts (gnomAD); In silico analysis supports that this missense variant has a deleterious effect on protein structure/function; Has not been previously published as pathogenic or benign to our knowledge

NM_003024.3(ITSN1):c.5024T>C (p.Leu1675Ser)

Gene: ITSN1 (intersectin 1; plus strand). Cytogenetic location: 21q22.11.
Variant type: single nucleotide variant.
Coding change: c.5024T>C on transcript NM_003024.3 (MANE Select); coding-DNA position 5024, T replaced by C.
Protein change: p.Leu1675Ser; replaces leucine 1675 with serine.
Molecular consequence: missense variant.
Genome position (GRCh38, 1-based): chr21:33,888,158, T>C. VCF-style: chr21-33888158-T-C. GRCh37 (hg19) VCF-style: chr21-35260462-T-C.
Other names: c.5009T>C, p.Leu1670Ser (NM_001331010.2); short protein forms L1670S, L1675S.
Identifiers: ClinVar variation 3361863 (VCV003361863.1).
Genomic context (GRCh38, chr21:33,888,158, plus strand): 5'-CCTCGAAGAGAGGGAATGGTCCCTCTTAGGAGGGTCTGTTTGTTCTCTTTTCAGATTTTT[T>C]GGGTCGGACGGAGATCCGTGTGGCGGACATCAAGAAAGACCAGGGCTCCAAAGGTCCAGT-3'
Protein context (NP_003015.2, residues 1665-1685): ERDQFSPDDF[Leu1675Ser]GRTEIRVADI